The following is an entry in ClinVar:

NM_025099.6(CTC1):c.277C>T (p.Gln93Ter)

Gene: CTC1 (CST telomere replication complex component 1; minus strand). Cytogenetic location: 17p13.1.
Variant type: single nucleotide variant.
Coding change: c.277C>T on transcript NM_025099.6 (MANE Select); coding-DNA position 277, C replaced by T.
Protein change: p.Gln93Ter; replaces glutamine 93 with a stop codon.
Molecular consequence: nonsense. On other transcripts: non-coding transcript variant (1).
Genome position (GRCh38, 1-based): chr17:8,238,550, G>A on the plus strand (C>T on the coding strand, the complement: CTC1 is on the minus strand). VCF-style: chr17-8238550-G-A. GRCh37 (hg19) VCF-style: chr17-8141868-G-A.
Other names: short protein forms Q93*.
Identifiers: ClinVar variation 580679 (VCV000580679.11), dbSNP rs767991627, ClinGen allele CA8372660.
Genomic context (GRCh38, chr17:8,238,550, plus strand): 5'-GTAACAGCTGCTCTCGGGGCAGGGGGTTCCCATTTGGTCCAGCCTCTTGGGCCCAGGCCT[G>A]GTATGCACTACTGCTCCACGACAGGTGGCTGCAGCATGGGAGACGCTGGTGAGTCTTGAG-3'

ClinVar aggregate classification (germline): Pathogenic/Likely pathogenic. Review status: criteria provided, multiple submitters, no conflicts (2 of 4 stars). 3 submissions from 3 submitters: Pathogenic (1); Likely pathogenic (2). Last evaluated 2025-10-01.

Conditions:
CTC1-related disorder. Also called: CTC1-related condition.
Dyskeratosis congenita. Identifiers: Orphanet 1775, MedGen C0265965, MONDO:0015780.

Allele frequency attached by ClinVar (database versions not stated): gnomAD exomes below 0.00001 and 0.00002; gnomAD 0.00001; ExAC 0.00002; TOPMed 0.00003.

Submissions (3):

Labcorp Genetics (formerly Invitae), Labcorp
Classification: Pathogenic for Dyskeratosis congenita. Last evaluated: 2025-10-01. Review status: criteria provided, single submitter. Criteria: Invitae Variant Classification Sherloc (09022015). Collection method: clinical testing. Allele origin: germline.
Comment: This sequence change creates a premature translational stop signal (p.Gln93*) in the CTC1 gene. It is expected to result in an absent or disrupted protein product. Loss-of-function variants in CTC1 are known to be pathogenic (PMID: 22267198, 22387016). This variant is present in population databases (rs767991627, gnomAD 0.01%). This variant has not been reported in the literature in individuals affected with CTC1-related conditions. ClinVar contains an entry for this variant (Variation ID: 580679). For these reasons, this variant has been classified as Pathogenic.

PreventionGenetics, part of Exact Sciences
Classification: Likely pathogenic for CTC1-related condition. Last evaluated: 2024-12-15. Review status: criteria provided, single submitter. Criteria: ACMG Guidelines, 2015. Collection method: clinical testing. Allele origin: germline.
Comment: The CTC1 c.277C>T variant is predicted to result in premature protein termination (p.Gln93*). To our knowledge, this variant has not been reported in the literature. This variant is reported in 0.013% of alleles in individuals of African descent in gnomAD. Nonsense variants in CTC1 are expected to be pathogenic. This variant is interpreted as likely pathogenic.

Blueprint Genetics
Classification: Likely pathogenic for CTC1-related disorders. Last evaluated: 2022-11-18. Review status: criteria provided, single submitter. Criteria: ACMG Guidelines, 2015. Collection method: clinical testing. Allele origin: germline. Affected: yes. Observed: 1 variant allele.

Literature cited by the submitters: PubMed 22267198 (cited by Labcorp Genetics (formerly Invitae), Labcorp); PubMed 22387016 (cited by Labcorp Genetics (formerly Invitae), Labcorp).